The following is an entry in ClinVar:

ClinVar aggregate classification (germline): Uncertain significance. Review status: criteria provided, multiple submitters, no conflicts (2 of 4 stars). 4 submissions from 4 submitters: Uncertain significance (4). Last evaluated 2024-12-26.

Conditions:
Familial thoracic aortic aneurysm and aortic dissection (TAAD). Also called: Thoracic aortic aneurysms and dissections. Identifiers: Orphanet 91387, MedGen C4707243, MONDO:0019625.
Aneurysm-osteoarthritis syndrome. Also called: SMAD3-Related Loeys-Dietz Syndrome; Loeys-Dietz syndrome, type 1C; ANEURYSMS-OSTEOARTHRITIS SYNDROME; LOEYS-DIETZ SYNDROME WITH OSTEOARTHRITIS. Identifiers: Orphanet 284984, MedGen C3151087, MONDO:0013426, OMIM 613795.

Allele frequency attached by ClinVar (database versions not stated): gnomAD below 0.00001 and 0.00001; gnomAD exomes 0.00002 and 0.00005; ExAC 0.00003.
gnomAD v4.1: 31 of 1,613,928 alleles (0.0019%); highest among the groups gnomAD compares: South Asian, 0.032%; 1 homozygote.

Submissions (4):

Labcorp Genetics (formerly Invitae), Labcorp
Classification: Uncertain significance for Familial thoracic aortic aneurysm and aortic dissection. Last evaluated: 2024-12-26. Review status: criteria provided, single submitter. Criteria: Invitae Variant Classification Sherloc (09022015). Collection method: clinical testing. Allele origin: germline.
Comment: This sequence change replaces leucine, which is neutral and non-polar, with phenylalanine, which is neutral and non-polar, at codon 308 of the SMAD3 protein (p.Leu308Phe). This variant is present in population databases (rs764656928, gnomAD 0.04%). This variant has not been reported in the literature in individuals affected with SMAD3-related conditions. ClinVar contains an entry for this variant (Variation ID: 316862). Invitae Evidence Modeling of protein sequence and biophysical properties (such as structural, functional, and spatial information, amino acid conservation, physicochemical variation, residue mobility, and thermodynamic stability) indicates that this missense variant is expected to disrupt SMAD3 protein function with a positive predictive value of 80%. In summary, the available evidence is currently insufficient to determine the role of this variant in disease. Therefore, it has been classified as a Variant of Uncertain Significance.

All of Us Research Program, National Institutes of Health
Classification: Uncertain significance for Aneurysm-osteoarthritis syndrome. Last evaluated: 2024-04-16. Review status: criteria provided, single submitter. Criteria: ACMG Guidelines, 2015. Collection method: clinical testing. Allele origin: germline. Inheritance: Autosomal dominant inheritance. Observed: 3 variant alleles, 3 heterozygotes.
Comment: This missense variant replaces leucine with phenylalanine at codon 308 of the SMAD3 protein. Computational prediction suggests that this variant may have deleterious impact on protein structure and function (internally defined REVEL score threshold >= 0.7, PMID: 27666373). To our knowledge, functional studies have not been reported for this variant. This variant has not been reported in individuals affected with cardiovascular disorders in the literature. This variant has been identified in 13/251476 chromosomes in the general population by the Genome Aggregation Database (gnomAD). The available evidence is insufficient to determine the role of this variant in disease conclusively. Therefore, this variant is classified as a Variant of Uncertain Significance.

This study involves interpretation of variants in research participants for the purpose of population health screening. Participant phenotype was not available at the time of variant classification. Additional details can be found in publication PMID: 35346344, PMCID: PMC8962531

Color Diagnostics, LLC DBA Color Health
Classification: Uncertain significance for Familial thoracic aortic aneurysm and aortic dissection. Last evaluated: 2024-03-06. Review status: criteria provided, single submitter. Criteria: ACMG Guidelines, 2015. Collection method: clinical testing. Allele origin: germline.
Comment: This missense variant replaces leucine with phenylalanine at codon 308 of the SMAD3 protein. Computational prediction suggests that this variant may have deleterious impact on protein structure and function (internally defined REVEL score threshold >= 0.7, PMID: 27666373). To our knowledge, functional studies have not been reported for this variant. This variant has not been reported in individuals affected with SMAD3-related disorders in the literature. This variant has been identified in 13/251476 chromosomes in the general population by the Genome Aggregation Database (gnomAD). The available evidence is insufficient to determine the role of this variant in disease conclusively. Therefore, this variant is classified as a Variant of Uncertain Significance.

Ambry Genetics
Classification: Uncertain significance for Familial thoracic aortic aneurysm and aortic dissection. Last evaluated: 2023-07-11. Review status: criteria provided, single submitter. Criteria: Ambry Variant Classification Scheme 2023. Collection method: clinical testing. Allele origin: germline.

NM_005902.4(SMAD3):c.922C>T (p.Leu308Phe)

Gene: SMAD3 (SMAD family member 3; plus strand). Cytogenetic location: 15q22.33.
Variant type: single nucleotide variant.
Coding change: c.922C>T on transcript NM_005902.4 (MANE Select); coding-DNA position 922, C replaced by T.
Protein change: p.Leu308Phe; replaces leucine 308 with phenylalanine.
Molecular consequence: missense variant.
Genome position (GRCh38, 1-based): chr15:67,184,777, C>T. VCF-style: chr15-67184777-C-T. GRCh37 (hg19) VCF-style: chr15-67477115-C-T.
Other names: c.337C>T, p.Leu113Phe (NM_001145104.2); c.607C>T, p.Leu203Phe (NM_001145102.2); c.790C>T, p.Leu264Phe (NM_001145103.2); short protein forms L308F, L113F, L203F, L264F.
Identifiers: ClinVar variation 316862 (VCV000316862.20), dbSNP rs764656928, ClinGen allele CA062844.